The following is an entry in ClinVar:

ClinVar aggregate classification (germline): Uncertain significance (1 of 4 stars; one submission).

Conditions:
Developmental and epileptic encephalopathy, 53. Also called: Epileptic encephalopathy, early infantile, 53. Identifiers: MedGen C4479313, MONDO:0033362, OMIM 617389.
Early-onset Parkinson disease 20. Also called: PARKINSON DISEASE 20, AUTOSOMAL RECESSIVE EARLY-ONSET. Identifiers: Orphanet 391411, MedGen C3809824, MONDO:0014233, OMIM 615530.

Submission:

Labcorp Genetics (formerly Invitae), Labcorp
Classification: Uncertain significance for Developmental and epileptic encephalopathy, 53; Early-onset Parkinson disease 20. Last evaluated: 2022-05-04. Review status: criteria provided, single submitter. Criteria: Invitae Variant Classification Sherloc (09022015). Collection method: clinical testing. Allele origin: germline.
Comment: This variant has not been reported in the literature in individuals affected with SYNJ1-related conditions. This variant is not present in population databases (gnomAD no frequency). This sequence change replaces valine, which is neutral and non-polar, with leucine, which is neutral and non-polar, at codon 1409 of the SYNJ1 protein (p.Val1409Leu). Algorithms developed to predict the effect of missense changes on protein structure and function output the following: SIFT: "Tolerated"; PolyPhen-2: "Benign"; Align-GVGD: "Class C0". The leucine amino acid residue is found in multiple mammalian species, which suggests that this missense change does not adversely affect protein function. In summary, the available evidence is currently insufficient to determine the role of this variant in disease. Therefore, it has been classified as a Variant of Uncertain Significance.

NM_203446.3(SYNJ1):c.*196G>C

Gene: SYNJ1 (synaptojanin 1; minus strand). Cytogenetic location: 21q22.11.
Variant type: single nucleotide variant.
Coding change: c.*196G>C on transcript NM_203446.3 (MANE Select); 196 bases downstream of the stop codon, G replaced by C.
Molecular consequence: 3 prime UTR variant. On other transcripts: missense variant (2).
Genome position (GRCh38, 1-based): chr21:32,631,609, C>G on the plus strand (G>C on the coding strand, the complement: SYNJ1 is on the minus strand). VCF-style: chr21-32631609-C-G. GRCh37 (hg19) VCF-style: chr21-34003919-C-G.
Other names: c.*196G>C (NM_001160302.2); c.3967G>C, p.Val1323Leu (NM_001160306.2); c.4225G>C, p.Val1409Leu (NM_003895.4); short protein forms V1409L, V1323L.
Identifiers: ClinVar variation 2133394 (VCV002133394.4), dbSNP rs2145658940, ClinGen allele CA410082650.